The following is an entry in ClinVar:

ClinVar aggregate classification (germline): Uncertain significance (1 of 4 stars; one submission).

Submission:

Labcorp Genetics (formerly Invitae), Labcorp
Classification: Uncertain significance. Last evaluated: 2025-05-27. Review status: criteria provided, single submitter. Criteria: Invitae Variant Classification Sherloc (09022015). Collection method: clinical testing. Allele origin: germline.
Comment: This sequence change replaces histidine, which is basic and polar, with aspartic acid, which is acidic and polar, at codon 6 of the XPR1 protein (p.His6Asp). This variant is not present in population databases (gnomAD no frequency). This variant has not been reported in the literature in individuals affected with XPR1-related conditions. Invitae Evidence Modeling of protein sequence and biophysical properties (such as structural, functional, and spatial information, amino acid conservation, physicochemical variation, residue mobility, and thermodynamic stability) indicates that this missense variant is expected to disrupt XPR1 protein function with a positive predictive value of 80%. In summary, the available evidence is currently insufficient to determine the role of this variant in disease. Therefore, it has been classified as a Variant of Uncertain Significance.

NM_004736.4(XPR1):c.16C>G (p.His6Asp)

Gene: XPR1 (xenotropic and polytropic retrovirus receptor 1; plus strand). Cytogenetic location: 1q25.3.
Variant type: single nucleotide variant.
Coding change: c.16C>G on transcript NM_004736.4 (MANE Select); coding-DNA position 16, C replaced by G.
Protein change: p.His6Asp; replaces histidine 6 with aspartic acid.
Molecular consequence: missense variant. On other transcripts: non-coding transcript variant (1).
Genome position (GRCh38, 1-based): chr1:180,632,217, C>G. VCF-style: chr1-180632217-C-G. GRCh37 (hg19) VCF-style: chr1-180601353-C-G.
Other names: c.16C>G, p.His6Asp (NM_001135669.2, NM_001328662.2); short protein forms H6D.
Identifiers: ClinVar variation 4771811 (VCV004771811.1).